The following is an entry in ClinVar:

NM_025103.4(IFT74):c.97G>A (p.Gly33Arg)

Gene: IFT74 (intraflagellar transport 74; plus strand). Cytogenetic location: 9p21.2.
Variant type: single nucleotide variant.
Coding change: c.97G>A on transcript NM_025103.4 (MANE Select); coding-DNA position 97, G replaced by A.
Protein change: p.Gly33Arg; replaces glycine 33 with arginine.
Molecular consequence: missense variant.
Genome position (GRCh38, 1-based): chr9:26,962,064, G>A. VCF-style: chr9-26962064-G-A. GRCh37 (hg19) VCF-style: chr9-26962062-G-A.
Other names: c.97G>A, p.Gly33Arg (NM_001099222.3, NM_001099223.3, NM_001099224.3 and 1 more transcripts); short protein forms G33R.
Identifiers: ClinVar variation 4037564 (VCV004037564.2).

ClinVar aggregate classification (germline): Uncertain significance. Review status: criteria provided, multiple submitters, no conflicts (2 of 4 stars). 2 submissions from 2 submitters: Uncertain significance (2). Last evaluated 2026-02-01.

Conditions:
Inborn genetic diseases. Identifiers: MedGen C0950123, MeSH D030342.

Submissions (2):

Labcorp Genetics (formerly Invitae), Labcorp
Classification: Uncertain significance. Last evaluated: 2026-02-01. Review status: criteria provided, single submitter. Criteria: Invitae Variant Classification Sherloc (09022015). Collection method: clinical testing. Allele origin: germline.
Comment: This sequence change replaces glycine, which is neutral and non-polar, with arginine, which is basic and polar, at codon 33 of the IFT74 protein (p.Gly33Arg). This variant is present in population databases (no rsID available, gnomAD 0.0009%). This variant has not been reported in the literature in individuals affected with IFT74-related conditions. ClinVar contains an entry for this variant (Variation ID: 4037564). An algorithm developed to predict the effect of missense changes on protein structure and function (PolyPhen-2) suggests that this variant is likely to be disruptive. In summary, the available evidence is currently insufficient to determine the role of this variant in disease. Therefore, it has been classified as a Variant of Uncertain Significance.

Ambry Genetics
Classification: Uncertain significance for Inborn genetic diseases. Last evaluated: 2025-06-10. Review status: criteria provided, single submitter. Criteria: Ambry Variant Classification Scheme 2023. Collection method: clinical testing. Allele origin: germline.